The following is an entry in ClinVar:

NM_007294.4(BRCA1):c.5333-11G>T

Gene: BRCA1 (BRCA1 DNA repair associated; minus strand). Cytogenetic location: 17q21.31.
Variant type: single nucleotide variant.
Coding change: c.5333-11G>T on transcript NM_007294.4 (MANE Select); 11 bases into the intron before coding-DNA position 5333, G replaced by T.
Molecular consequence: intron variant.
Genome position (GRCh38, 1-based): chr17:43,049,205, C>A on the plus strand (G>T on the coding strand, the complement: BRCA1 is on the minus strand). VCF-style: chr17-43049205-C-A. GRCh37 (hg19) VCF-style: chr17-41201222-C-A.
Other names: c.5186-11G>T (NM_001407846.1, NM_001407850.1, NM_001407844.1 and 12 more transcripts); c.5192-11G>T (NM_001407726.1, NM_001407730.1, NM_001407692.1 and 12 more transcripts); c.1493-11G>T (NM_001408513.1); c.1757-11G>T (NM_001408503.1, NM_001408502.1, NM_001408504.1); c.5189-1502G>T (NM_001407943.1, NM_001407944.1, NM_001407945.1); c.5189-11G>T (NM_001407748.1, NM_001407752.1, NM_001407734.1 and 18 more transcripts); c.1760-11G>T (NM_001408500.1, NM_001408497.1, NM_001408496.1 and 3 more transcripts); c.5069-11G>T (NM_001407921.1, NM_001407926.1, NM_001407924.1 and 4 more transcripts); and 84 more.
Identifiers: ClinVar variation 865344 (VCV000865344.3), dbSNP rs1057524666, ClinGen allele CA916080901.

Conditions:
Breast-ovarian cancer, familial, susceptibility to, 1 (BROVCA1). Also called: BRCA1 Hereditary Breast and Ovarian Cancer; OVARIAN CANCER, SUSCEPTIBILITY TO. Identifiers: Orphanet 145, MedGen C2676676, MONDO:0011450, OMIM 604370. Disease mechanism: loss of function.

Submission:

Brotman Baty Institute, University of Washington
No classification provided (evidence only). Condition: Breast-ovarian cancer, familial 1. Review status: no classification provided. Collection method: in vitro. Allele origin: not applicable. Functional consequence: functionally_normal.
ClinVar note: "not provided" was previously submitted as the classification for the variant. However, the classification appeared to be based only on an observation of functional data so it was converted to no classification on 2025-07-30.